The following is an entry in ClinVar:

NM_177438.3(DICER1):c.4247A>T (p.Asp1416Val)

Gene: DICER1 (dicer 1, ribonuclease III; minus strand). Cytogenetic location: 14q32.13.
Variant type: single nucleotide variant.
Coding change: c.4247A>T on transcript NM_177438.3 (MANE Select); coding-DNA position 4247, A replaced by T.
Protein change: p.Asp1416Val; replaces aspartic acid 1416 with valine.
Molecular consequence: missense variant. On other transcripts: non-coding transcript variant (6).
Genome position (GRCh38, 1-based): chr14:95,096,673, T>A on the plus strand (A>T on the coding strand, the complement: DICER1 is on the minus strand). VCF-style: chr14-95096673-T-A. GRCh37 (hg19) VCF-style: chr14-95563010-T-A.
Other names: c.4247A>T, p.Asp1416Val (NM_001195573.1, NM_001271282.3, NM_001291628.2 and 12 more transcripts); c.3965A>T, p.Asp1322Val (NM_001395686.1); c.3842A>T, p.Asp1281Val (NM_001395687.1, NM_001395688.1, NM_001395689.1 and 2 more transcripts); c.3680A>T, p.Asp1227Val (NM_001395691.1); c.2564A>T, p.Asp855Val (NM_001395697.1); short protein forms D1227V, D1322V, D1281V, D1416V, D855V.
Identifiers: ClinVar variation 3501913 (VCV003501913.1).

ClinVar aggregate classification (germline): Uncertain significance (1 of 4 stars; one submission).

Conditions:
Hereditary cancer-predisposing syndrome. Also called: Tumor predisposition; Neoplastic Syndromes, Hereditary; Hereditary Cancer Syndrome; Hereditary neoplastic syndrome. Identifiers: Orphanet 140162, MedGen C0027672, MeSH D009386, MONDO:0015356.

Submission:

Ambry Genetics
Classification: Uncertain significance for Hereditary cancer-predisposing syndrome. Last evaluated: 2024-10-01. Review status: criteria provided, single submitter. Criteria: Ambry Variant Classification Scheme 2023. Collection method: clinical testing. Allele origin: germline.
Comment: The p.D1416V variant (also known as c.4247A>T), located in coding exon 22 of the DICER1 gene, results from an A to T substitution at nucleotide position 4247. The aspartic acid at codon 1416 is replaced by valine, an amino acid with highly dissimilar properties. This amino acid position is conserved. In addition, the in silico prediction for this alteration is inconclusive. Based on the available evidence, the clinical significance of this variant remains unclear.